The following is an entry in ClinVar:

ClinVar aggregate classification (germline): Uncertain significance (1 of 4 stars; one submission).

Conditions:
Hereditary nonpolyposis colorectal neoplasms. Identifiers: MedGen C0009405, MeSH D003123.

Submission:

Labcorp Genetics (formerly Invitae), Labcorp
Classification: Uncertain significance for Hereditary nonpolyposis colorectal neoplasms. Last evaluated: 2023-09-17. Review status: criteria provided, single submitter. Criteria: Invitae Variant Classification Sherloc (09022015). Collection method: clinical testing. Allele origin: germline.
Comment: In summary, the available evidence is currently insufficient to determine the role of this variant in disease. Therefore, it has been classified as a Variant of Uncertain Significance. Advanced modeling of protein sequence and biophysical properties (such as structural, functional, and spatial information, amino acid conservation, physicochemical variation, residue mobility, and thermodynamic stability) performed at Invitae indicates that this missense variant is not expected to disrupt MSH6 protein function. This variant has not been reported in the literature in individuals affected with MSH6-related conditions. This variant is not present in population databases (gnomAD no frequency). This sequence change replaces tyrosine, which is neutral and polar, with cysteine, which is neutral and slightly polar, at codon 786 of the MSH6 protein (p.Tyr786Cys).

NM_000179.3(MSH6):c.2357A>G (p.Tyr786Cys)

Gene: MSH6 (mutS homolog 6; plus strand). Cytogenetic location: 2p16.3.
Variant type: single nucleotide variant.
Coding change: c.2357A>G on transcript NM_000179.3 (MANE Select); coding-DNA position 2357, A replaced by G.
Protein change: p.Tyr786Cys; replaces tyrosine 786 with cysteine.
Molecular consequence: missense variant. On other transcripts: non-coding transcript variant (5), intron variant (3).
Genome position (GRCh38, 1-based): chr2:47,800,340, A>G. VCF-style: chr2-47800340-A-G. GRCh37 (hg19) VCF-style: chr2-48027479-A-G.
Other names: c.1832A>G, p.Tyr611Cys (NM_001406806.1, NM_001406807.1, NM_001406799.1); c.2308+49A>G (NM_001406803.1); c.1606+751A>G (NM_001406817.1); c.628-326A>G (NM_001407362.1); c.2060A>G, p.Tyr687Cys (NM_001406828.1, NM_001406827.1, NM_001406830.1 and 10 more transcripts); c.1451A>G, p.Tyr484Cys (NM_001406829.1, NM_001406811.1, NM_001406812.1 and 6 more transcripts); c.2363A>G, p.Tyr788Cys (NM_001406813.1); c.2357A>G, p.Tyr786Cys (NM_001406808.1, NM_001406809.1, NM_001406796.1 and 2 more transcripts); and 4 more; short protein forms Y611C, Y656C, Y687C, Y730C, Y788C, Y818C, Y484C, Y760C.
Identifiers: ClinVar variation 2761044 (VCV002761044.3), dbSNP rs2104402584, ClinGen allele CA346753585.
Genomic context (GRCh38, chr2:47,800,340, plus strand): 5'-ATACTCCTTTTGGTAAGCGGCTCCTAAAGCAATGGCTTTGTGCCCCACTCTGTAACCATT[A>G]TGCTATTAATGATCGTCTAGATGCCATAGAAGACCTCATGGTTGTGCCTGACAAAATCTC-3'
Protein context (NP_000170.1, residues 776-796): QWLCAPLCNH[Tyr786Cys]AINDRLDAIE